The following is an entry in ClinVar:

ClinVar aggregate classification (germline): Likely benign (1 of 4 stars; one submission).

Submission:

CeGaT Center for Human Genetics Tuebingen
Classification: Likely benign. Last evaluated: 2025-07-01. Review status: criteria provided, single submitter. Criteria: CeGaT Center For Human Genetics Tuebingen Variant Classification Criteria Version 2. Collection method: clinical testing. Allele origin: germline. Affected: yes. Observed: 1 variant allele.
Comment: PLIN4: PM2:Supporting, BP4, BP7

NM_001367868.2(PLIN4):c.2199C>G (p.Val733=)

Gene: PLIN4 (perilipin 4; minus strand). Cytogenetic location: 19p13.3.
Variant type: single nucleotide variant.
Coding change: c.2199C>G on transcript NM_001367868.2 (MANE Select); coding-DNA position 2199, C replaced by G.
Protein change: p.Val733=; no amino-acid change (valine 733 retained).
Molecular consequence: synonymous variant.
Genome position (GRCh38, 1-based): chr19:4,511,761, G>C on the plus strand (C>G on the coding strand, the complement: PLIN4 is on the minus strand). VCF-style: chr19-4511761-G-C. GRCh37 (hg19) VCF-style: chr19-4511773-G-C.
Other names: c.2202C>G, p.Val734= (NM_001393888.1, NM_001393889.1); c.2199C>G, p.Val733= (NM_001393890.1, NM_001393891.1).
Identifiers: ClinVar variation 4084367 (VCV004084367.8).
Genomic context (GRCh38, chr19:4,511,761, plus strand): 5'-GTCCAGGCCCCCTTGGATGGCCCCTTTGGCCACATTCGCAGCACCGGTCACCCCACTGCA[G>C]ACGGTGTCCTTGGTACCAGTTAGGACAGTCTTGGTGGTGTCCACACTGGTCTGGACAGTC-3'
Protein context (NP_001354797.1, residues 723-743): KTVLTGTKDT[Val733=]CSGVTGAANV